The following is an entry in ClinVar:

NM_017635.5(KMT5B):c.978-1G>T

Gene: KMT5B (lysine methyltransferase 5B; minus strand). Cytogenetic location: 11q13.2.
Variant type: single nucleotide variant.
Coding change: c.978-1G>T on transcript NM_017635.5 (MANE Select); the canonical splice acceptor site of the intron before coding-DNA position 978, G replaced by T.
Molecular consequence: splice acceptor variant.
Genome position (GRCh38, 1-based): chr11:68,167,179, C>A on the plus strand (G>T on the coding strand, the complement: KMT5B is on the minus strand). VCF-style: chr11-68167179-C-A. GRCh37 (hg19) VCF-style: chr11-67934646-C-A.
Other names: c.462-1G>T (NM_001369430.1, NM_001369432.1, NM_001369428.1 and 5 more transcripts); c.258-1G>T (NM_001300908.2); c.978-1G>T (NM_001369426.1, NM_001363566.2, NM_001369427.1 and 1 more transcripts); c.765-1G>T (NM_001369425.1); c.909-1G>T (NM_001300909.2).
Identifiers: ClinVar variation 3865165 (VCV003865165.1).

ClinVar aggregate classification (germline): Likely pathogenic (1 of 4 stars; one submission).

Conditions:
Inborn genetic diseases. Identifiers: MedGen C0950123, MeSH D030342.

Submission:

Ambry Genetics
Classification: Likely pathogenic for Inborn genetic diseases. Last evaluated: 2025-01-31. Review status: criteria provided, single submitter. Criteria: Ambry Variant Classification Scheme 2023. Collection method: clinical testing. Allele origin: germline.
Comment: The c.978-1G>T intronic alteration consists of a G to T substitution one nucleotide before coding exon 9 of the KMT5B gene. Alterations that disrupt the canonical splice site are expected to result in aberrant splicing. A resulting transcript is predicted to be in-frame and is not expected to trigger nonsense-mediated mRNAdecay, although direct evidence is unavailable. However, the region predicted to be impacted is critical for protein function (Ambry internal data). This variant was not reported in population-based cohorts in the Genome Aggregation Database (gnomAD). This nucleotide position is highly conserved in available vertebrate species. In silico splice site analysis predicts that this alteration may result in the creation or strengthening of a novel splice acceptor site. Based on the available evidence, this alteration is classified as likely pathogenic.